The following is an entry in ClinVar:

NM_004035.7(ACOX1):c.1852G>A (p.Gly618Ser)

Gene: ACOX1 (acyl-CoA oxidase 1; minus strand). Cytogenetic location: 17q25.1.
Variant type: single nucleotide variant.
Coding change: c.1852G>A on transcript NM_004035.7 (MANE Select); coding-DNA position 1852, G replaced by A.
Protein change: p.Gly618Ser; replaces glycine 618 with serine.
Molecular consequence: missense variant.
Genome position (GRCh38, 1-based): chr17:75,948,334, C>T on the plus strand (G>A on the coding strand, the complement: ACOX1 is on the minus strand). VCF-style: chr17-75948334-C-T. GRCh37 (hg19) VCF-style: chr17-73944415-C-T.
Other names: c.1738G>A, p.Gly580Ser (NM_001185039.2); c.1852G>A, p.Gly618Ser (NM_007292.6); short protein forms G580S, G618S.
Identifiers: ClinVar variation 4811948 (VCV004811948.1).

ClinVar aggregate classification (germline): Uncertain significance (1 of 4 stars; one submission).

Conditions:
Acyl-CoA oxidase deficiency. Also called: STRAIGHT-CHAIN ACYL-CoA OXIDASE DEFICIENCY; Pseudoneonatal adrenoleukodystrophy; Peroxisomal acyl-CoA oxidase deficiency. Identifiers: Orphanet 2971, MedGen C1849678, MONDO:0009919, OMIM 264470. Disease mechanism: loss of function.

Submission:

Labcorp Genetics (formerly Invitae), Labcorp
Classification: Uncertain significance for Acyl-CoA oxidase deficiency. Last evaluated: 2025-04-17. Review status: criteria provided, single submitter. Criteria: Invitae Variant Classification Sherloc (09022015). Collection method: clinical testing. Allele origin: germline.
Comment: This sequence change replaces glycine, which is neutral and non-polar, with serine, which is neutral and polar, at codon 618 of the ACOX1 protein (p.Gly618Ser). This variant is not present in population databases (gnomAD no frequency). This variant has not been reported in the literature in individuals affected with ACOX1-related conditions. Invitae Evidence Modeling of protein sequence and biophysical properties (such as structural, functional, and spatial information, amino acid conservation, physicochemical variation, residue mobility, and thermodynamic stability) indicates that this missense variant is not expected to disrupt ACOX1 protein function with a negative predictive value of 80%. In summary, the available evidence is currently insufficient to determine the role of this variant in disease. Therefore, it has been classified as a Variant of Uncertain Significance.